The following is an entry in ClinVar:

ClinVar aggregate classification (germline): Uncertain significance (1 of 4 stars; one submission).

Conditions:
Fanconi anemia complementation group A (FANCA). Also called: Fanconi anemia, group A; FANCA-Related Fanconi Anemia. Identifiers: Orphanet 84, MedGen C3469521, MONDO:0009215, OMIM 227650.

gnomAD v4.1: 1 of 1,613,998 alleles (0.000062%); highest among the groups gnomAD compares: Non-Finnish European, 0.000085%; no homozygotes.

Submission:

St. Jude Molecular Pathology, St. Jude Children's Research Hospital
Classification: Uncertain significance for Fanconi anemia complementation group A. Last evaluated: 2022-07-05. Review status: criteria provided, single submitter. Criteria: St. Jude Assertion Criteria 2020. Collection method: clinical testing. Allele origin: germline.
Comment: The FANCA c.2072A>T (p.Asn691Ile) missense change has an overall frequency of 0.0032% in gnomAD v2.1.1. The in silico tool REVEL predicts a benign effect on protein function, but to our knowledge this prediction has not been confirmed by functional studies. To our knowledge, this variant has not been reported in individuals with Fanconi anemia. In summary, the evidence currently available is insufficient to determine the role of this variant in Fanconi anemia. It has therefore been classified as of uncertain significance.

NM_000135.4(FANCA):c.2072A>T (p.Asn691Ile)

Gene: FANCA (FA complementation group A; minus strand). Cytogenetic location: 16q24.3.
Variant type: single nucleotide variant.
Coding change: c.2072A>T on transcript NM_000135.4 (MANE Select); coding-DNA position 2072, A replaced by T.
Protein change: p.Asn691Ile; replaces asparagine 691 with isoleucine.
Molecular consequence: missense variant.
Genome position (GRCh38, 1-based): chr16:89,771,757, T>A on the plus strand (A>T on the coding strand, the complement: FANCA is on the minus strand). VCF-style: chr16-89771757-T-A. GRCh37 (hg19) VCF-style: chr16-89838165-T-A.
Other names: c.2072A>T, p.Asn691Ile (NM_001286167.3); short protein forms N691I.
Identifiers: ClinVar variation 1710964 (VCV001710964.1), dbSNP rs367880372, ClinGen allele CA397448482.